The following is an entry in ClinVar:

ClinVar aggregate classification (germline): Uncertain significance (1 of 4 stars; one submission).

Conditions:
Hereditary cancer-predisposing syndrome. Also called: Tumor predisposition; Hereditary neoplastic syndrome; Hereditary Cancer Syndrome; Neoplastic Syndromes, Hereditary. Identifiers: Orphanet 140162, MedGen C0027672, MeSH D009386, MONDO:0015356.

gnomAD v4.1: 1 of 1,614,098 alleles (0.000062%); highest among the groups gnomAD compares: Non-Finnish European, 0.000085%; no homozygotes.

Submission:

Ambry Genetics
Classification: Uncertain significance for Hereditary cancer-predisposing syndrome. Last evaluated: 2025-05-19. Review status: criteria provided, single submitter. Criteria: Ambry Variant Classification Scheme 2023. Collection method: clinical testing. Allele origin: germline.
Comment: The p.L1073V variant (also known as c.3217C>G), located in coding exon 19 of the PTCH1 gene, results from a C to G substitution at nucleotide position 3217. The leucine at codon 1073 is replaced by valine, an amino acid with highly similar properties. This amino acid position is conserved. In addition, the in silico prediction for this alteration is inconclusive. Based on the available evidence, the clinical significance of this variant remains unclear.

NM_000264.5(PTCH1):c.3217C>G (p.Leu1073Val)

Gene: PTCH1 (patched 1; minus strand). Cytogenetic location: 9q22.32.
Variant type: single nucleotide variant.
Coding change: c.3217C>G on transcript NM_000264.5 (MANE Select); coding-DNA position 3217, C replaced by G.
Protein change: p.Leu1073Val; replaces leucine 1073 with valine.
Molecular consequence: missense variant. On other transcripts: non-coding transcript variant (1).
Genome position (GRCh38, 1-based): chr9:95,456,365, G>C on the plus strand (C>G on the coding strand, the complement: PTCH1 is on the minus strand). VCF-style: chr9-95456365-G-C. GRCh37 (hg19) VCF-style: chr9-98218647-G-C.
Other names: c.3019C>G, p.Leu1007Val (NM_001083602.3); c.3214C>G, p.Leu1072Val (NM_001083603.3); c.2764C>G, p.Leu922Val (NM_001083604.3, NM_001083605.3, NM_001083606.3 and 1 more transcripts); c.3061C>G, p.Leu1021Val (NM_001354918.2); short protein forms L1007V, L922V, L1021V, L1073V, L1072V.
Identifiers: ClinVar variation 3939978 (VCV003939978.1).